The following is an entry in ClinVar:

NM_005219.5(DIAPH1):c.1423G>A (p.Glu475Lys)

Gene: DIAPH1 (diaphanous related formin 1; minus strand). Cytogenetic location: 5q31.3.
Variant type: single nucleotide variant.
Coding change: c.1423G>A on transcript NM_005219.5 (MANE Select); coding-DNA position 1423, G replaced by A.
Protein change: p.Glu475Lys; replaces glutamic acid 475 with lysine.
Molecular consequence: missense variant.
Genome position (GRCh38, 1-based): chr5:141,576,268, C>T on the plus strand (G>A on the coding strand, the complement: DIAPH1 is on the minus strand). VCF-style: chr5-141576268-C-T. GRCh37 (hg19) VCF-style: chr5-140955835-C-T.
Other names: c.1396G>A, p.Glu466Lys (NM_001079812.3); c.1423G>A, p.Glu475Lys (NM_001314007.2); short protein forms E475K, E466K.
Identifiers: ClinVar variation 351296 (VCV000351296.50), dbSNP rs193036129, ClinGen allele CA3479301.
Genomic context (GRCh38, chr5:141,576,268, plus strand): 5'-GTCTTTGGTCTCTCATATGCACCTTCTTTTCCAGCTCTGCAGCTTTGGCTTCAGATTTCT[C>T]CACCTTTGTCTTATCAATCATTTGATCTGAAAAGAAGAAGAGTCAGTAAGTAAAGCTCCT-3'
Protein context (NP_005210.3, residues 465-485): IDQMIDKTKV[Glu475Lys]KSEAKAAELE

ClinVar aggregate classification (germline): Conflicting classifications of pathogenicity. Review status: criteria provided, conflicting classifications (1 of 4 stars). 8 submissions from 8 submitters: Uncertain significance (1); Benign (2); Likely benign (5). Last evaluated 2026-02-02.

Conditions:
Autosomal dominant nonsyndromic hearing loss 1. Also called: KONIGSMARK SYNDROME; DEAFNESS, AUTOSOMAL DOMINANT 1, WITH OR WITHOUT THROMBOCYTOPENIA. Identifiers: Orphanet 90635, MedGen C1852282, MONDO:0007424, OMIM 124900.
Progressive microcephaly-seizures-cortical blindness-developmental delay syndrome. Also called: Seizures, cortical blindness, and microcephaly syndrome. Identifiers: Orphanet 477814, MedGen C5567650, MONDO:0014714, OMIM 616632.

Allele frequency attached by ClinVar (database versions not stated): 1000 Genomes Project 0.00020; 1000 Genomes Project 30x 0.00031; TOPMed 0.00043; ESP Exome Variant Server 0.00050; ExAC 0.00108; gnomAD 0.00115 and 0.00123.
gnomAD v4.1: 1,415 of 1,614,028 alleles (0.088%); highest among the groups gnomAD compares: Non-Finnish European, 0.072%; 3 homozygotes.

Submissions (10):

Labcorp Genetics (formerly Invitae), Labcorp
Classification: Likely benign for Progressive microcephaly-seizures-cortical blindness-developmental delay syndrome; Autosomal dominant nonsyndromic hearing loss 1. Last evaluated: 2026-02-02. Review status: criteria provided, single submitter. Criteria: Invitae Variant Classification Sherloc (09022015). Collection method: clinical testing. Allele origin: germline.

CeGaT Center for Human Genetics Tuebingen
Classification: Likely benign. Last evaluated: 2025-08-01. Review status: criteria provided, single submitter. Criteria: CeGaT Center For Human Genetics Tuebingen Variant Classification Criteria Version 2. Collection method: clinical testing. Allele origin: germline. Affected: yes. Observed: 5 variant alleles.
Comment: DIAPH1: BS1

ARUP Laboratories, Molecular Genetics and Genomics, ARUP Laboratories
Classification: Likely benign. Last evaluated: 2025-05-06. Review status: criteria provided, single submitter. Criteria: ARUP Molecular Germline Variant Investigation Process 2024. Collection method: clinical testing. Allele origin: germline.

Blueprint Genetics
Classification: Likely benign. Last evaluated: 2024-11-20. Review status: criteria provided, single submitter. Criteria: ACMG Guidelines, 2015. Collection method: clinical testing. Allele origin: germline.

GeneDx
Classification: Benign. Last evaluated: 2020-07-31. Review status: criteria provided, single submitter. Criteria: GeneDx Variant Classification Process June 2021. Collection method: clinical testing. Allele origin: germline. Affected: yes.

Illumina Laboratory Services, Illumina
Classification: Likely benign for Autosomal dominant nonsyndromic hearing loss 1. Last evaluated: 2018-01-13. Review status: criteria provided, single submitter. Criteria: ICSL Variant Classification Criteria 13 December 2019. Collection method: clinical testing. Allele origin: germline.
Comment: This variant was observed in the ICSL laboratory as part of a predisposition screen in an ostensibly healthy population. It had not been previously curated by ICSL or reported in the Human Gene Mutation Database (HGMD: prior to June 1st, 2018), and was therefore a candidate for classification through an automated scoring system. Utilizing variant allele frequency, disease prevalence and penetrance estimates, and inheritance mode, an automated score was calculated to assess if this variant is too frequent to cause the disease. Based on the score and internal cut-off values, a variant classified as likely benign is not then subjected to further curation. The score for this variant resulted in a classification of likely benign for this disease.

Laboratory for Molecular Medicine, Mass General Brigham Personalized Medicine
Classification: Benign. Last evaluated: 2017-08-03. Review status: criteria provided, single submitter. Criteria: LMM Criteria. Collection method: clinical testing. Allele origin: germline. Observed: 1 variant allele.
Comment: p.Glu475Lys in exon 14 of DIAPH1: This variant is not expected to have clinical significance because it has been identified in 0.8% (216/25792) of Finnish chro mosomes by the Genome Aggregation Database (gnomAD .org; dbSNP rs193036129).

Center for Pediatric Genomic Medicine, Children's Mercy Hospital and Clinics
Classification: Uncertain significance. Last evaluated: 2017-01-25. Review status: criteria provided, single submitter. Criteria: ACMG Guidelines, 2015. Collection method: clinical testing. Allele origin: germline.
ClinVar note: Converted during submission from Uncertain Significance to Uncertain significance.

Dr. Peter K. Rogan Lab, Western University
No classification provided (evidence only). Condition: Colorectal cancer. Review status: no classification provided. Collection method: in vitro. Allele origin: not applicable. Functional consequence: retained intron. Not counted in ClinVar's aggregate classification.

Dr. Peter K. Rogan Lab, Western University
No classification provided (evidence only). Condition: Familial pancreatic carcinoma. Review status: no classification provided. Collection method: in vitro. Allele origin: not applicable. Functional consequence: retained intron. Not counted in ClinVar's aggregate classification.